The following is an entry in ClinVar:

NM_020812.4(DOCK6):c.4022-3C>G

Genes: DOCK6 (dedicator of cytokinesis 6; minus strand), DOCK6-AS1 (DOCK6 antisense RNA 1; plus strand). Cytogenetic location: 19p13.2.
Variant type: single nucleotide variant.
Coding change: c.4022-3C>G on transcript NM_020812.4 (MANE Select); 3 bases into the intron before coding-DNA position 4022, C replaced by G.
Molecular consequence: intron variant.
Genome position (GRCh38, 1-based): chr19:11,215,474, G>C on the plus strand (C>G on the coding strand, the complement: DOCK6 is on the minus strand). VCF-style: chr19-11215474-G-C. GRCh37 (hg19) VCF-style: chr19-11326150-G-C.
Other names: c.4127-3C>G (NM_001367830.1).
Identifiers: ClinVar variation 1395546 (VCV001395546.3), dbSNP rs542270866, ClinGen allele CA9207022.
Genomic context (GRCh38, chr19:11,215,474, plus strand): 5'-CAGTGTGTGACGCTCTTCCGCCAGCGCACATTCTCCGGATTCCCAAACGGGCTCCTCTCT[G>C]AGACGCGTGGGTGCACGATCACAGATGCGTAAAAACACAGGGCACACGTGAACATCAGGA-3'

ClinVar aggregate classification (germline): Uncertain significance (1 of 4 stars; one submission).

Allele frequency attached by ClinVar (database versions not stated): gnomAD exomes 0.00002 and 0.00007; ExAC 0.00012; 1000 Genomes Project 30x 0.00016; 1000 Genomes Project 0.00020; gnomAD 0.00021 and 0.00023; TOPMed 0.00029.
gnomAD v4.1: 56 of 1,611,270 alleles (0.0035%); highest among the groups gnomAD compares: African/African-American, 0.072%; no homozygotes.

Submission:

Labcorp Genetics (formerly Invitae), Labcorp
Classification: Uncertain significance. Last evaluated: 2022-02-05. Review status: criteria provided, single submitter. Criteria: Invitae Variant Classification Sherloc (09022015). Collection method: clinical testing. Allele origin: germline.
Comment: This sequence change falls in intron 31 of the DOCK6 gene. It does not directly change the encoded amino acid sequence of the DOCK6 protein. It affects a nucleotide within the consensus splice site. This variant is present in population databases (rs542270866, gnomAD 0.08%). This variant has not been reported in the literature in individuals affected with DOCK6-related conditions. Variants that disrupt the consensus splice site are a relatively common cause of aberrant splicing (PMID: 17576681, 9536098). Algorithms developed to predict the effect of sequence changes on RNA splicing suggest that this variant may disrupt the consensus splice site. In summary, the available evidence is currently insufficient to determine the role of this variant in disease. Therefore, it has been classified as a Variant of Uncertain Significance.

Literature cited by the submitters: PubMed 17576681; PubMed 9536098.